The following is an entry in ClinVar:

ClinVar aggregate classification (germline): Uncertain significance. Review status: criteria provided, multiple submitters, no conflicts (2 of 4 stars). 2 submissions from 2 submitters: Uncertain significance (2). Last evaluated 2023-02-13.

Conditions:
Spinocerebellar ataxia type 11 (SCA11). Identifiers: Orphanet 98767, MedGen C1858351, MONDO:0011464, OMIM 604432.

Allele frequency attached by ClinVar (database versions not stated): TOPMed 0.00001.
gnomAD v4.1: 5 of 1,613,414 alleles (0.00031%); highest among the groups gnomAD compares: Non-Finnish European, 0.00042%; no homozygotes.

Submissions (2):

Labcorp Genetics (formerly Invitae), Labcorp
Classification: Uncertain significance. Last evaluated: 2023-02-13. Review status: criteria provided, single submitter. Criteria: Invitae Variant Classification Sherloc (09022015). Collection method: clinical testing. Allele origin: germline.
Comment: This variant has not been reported in the literature in individuals affected with TTBK2-related conditions. This sequence change replaces glutamine, which is neutral and polar, with lysine, which is basic and polar, at codon 234 of the TTBK2 protein (p.Gln234Lys). This variant is not present in population databases (gnomAD no frequency). ClinVar contains an entry for this variant (Variation ID: 886335). Advanced modeling of protein sequence and biophysical properties (such as structural, functional, and spatial information, amino acid conservation, physicochemical variation, residue mobility, and thermodynamic stability) performed at Invitae indicates that this missense variant is expected to disrupt TTBK2 protein function. In summary, the available evidence is currently insufficient to determine the role of this variant in disease. Therefore, it has been classified as a Variant of Uncertain Significance.

Illumina Laboratory Services, Illumina
Classification: Uncertain significance for Spinocerebellar ataxia type 11. Last evaluated: 2018-01-13. Review status: criteria provided, single submitter. Criteria: ICSL Variant Classification Criteria 13 December 2019. Collection method: clinical testing. Allele origin: germline.

NM_173500.4(TTBK2):c.700C>A (p.Gln234Lys)

Gene: TTBK2 (tau tubulin kinase 2; minus strand). Cytogenetic location: 15q15.2.
Variant type: single nucleotide variant.
Coding change: c.700C>A on transcript NM_173500.4 (MANE Select); coding-DNA position 700, C replaced by A.
Protein change: p.Gln234Lys; replaces glutamine 234 with lysine.
Molecular consequence: missense variant.
Genome position (GRCh38, 1-based): chr15:42,810,736, G>T on the plus strand (C>A on the coding strand, the complement: TTBK2 is on the minus strand). VCF-style: chr15-42810736-G-T. GRCh37 (hg19) VCF-style: chr15-43102934-G-T.
Other names: short protein forms Q234K.
Identifiers: ClinVar variation 886335 (VCV000886335.7), dbSNP rs933067569, ClinGen allele CA392044683.
Genomic context (GRCh38, chr15:42,810,736, plus strand): 5'-CTGGAGGGAGATGTTTCAACATGAGCCTGTGGTCATATCTCTCCTTAATAGAGCCTACTT[G>T]CTCCTGGGAAGTAAAGAGAAAAAGAGCTACAGTCAATTTCTCTTGGTGGTTAGGCATTAA-3'
Protein context (NP_775771.3, residues 224-244): LPWRKIKDKE[Gln234Lys]VGSIKERYDH